The following is an entry in ClinVar:

NM_001374736.1(DST):c.2905G>A (p.Val969Ile)

Gene: DST (dystonin; minus strand). Cytogenetic location: 6p12.1.
Variant type: single nucleotide variant.
Coding change: c.2905G>A on transcript NM_001374736.1 (MANE Select); coding-DNA position 2905, G replaced by A.
Protein change: p.Val969Ile; replaces valine 969 with isoleucine.
Molecular consequence: missense variant.
Genome position (GRCh38, 1-based): chr6:56,639,318, C>T on the plus strand (G>A on the coding strand, the complement: DST is on the minus strand). VCF-style: chr6-56639318-C-T. GRCh37 (hg19) VCF-style: chr6-56504116-C-T.
Other names: c.2806G>A, p.Val936Ile (NM_001144769.5); c.2392G>A, p.Val798Ile (NM_001144770.2); c.2905G>A, p.Val969Ile (NM_001374722.1); c.2272G>A, p.Val758Ile (NM_001374729.1, NM_001374730.1, NM_001386100.1 and 1 more transcripts); c.2932G>A, p.Val978Ile (NM_001374734.1); c.1294G>A, p.Val432Ile (NM_001723.7, NM_015548.5); short protein forms V969I, V978I, V432I, V936I, V758I, V798I.
Identifiers: ClinVar variation 1796272 (VCV001796272.2), dbSNP rs533300426, ClinGen allele CA139218349.
Genomic context (GRCh38, chr6:56,639,318, plus strand): 5'-CCTCAATAGTTAACCGGGCTGGATGATTTTCTAGAAGTAGCTGCTCTGCTATCTCCTGAA[C>T]TGATTTAATATTTTCTTCCTTTTGATCAAGTTCTCTCATTAATTCCTTCAAGAAATAATT-3'
Protein context (NP_001361665.1, residues 959-979): LDQKEENIKS[Val969Ile]QEIAEQLLLE

ClinVar aggregate classification (germline): Uncertain significance (1 of 4 stars; one submission).

Conditions:
Inborn genetic diseases. Identifiers: MedGen C0950123, MeSH D030342.

Allele frequency attached by ClinVar (database versions not stated): gnomAD 0.00001; 1000 Genomes Project 30x 0.00016; 1000 Genomes Project 0.00020.

Submission:

Ambry Genetics
Classification: Uncertain significance for Inborn genetic diseases. Last evaluated: 2020-03-06. Review status: criteria provided, single submitter. Criteria: Ambry Variant Classification Scheme 2023. Collection method: clinical testing. Allele origin: germline.
Comment: The p.V936I variant (also known as c.2806G>A), located in coding exon 21 of the DST gene, results from a G to A substitution at nucleotide position 2806. The valine at codon 936 is replaced by isoleucine, an amino acid with highly similar properties. This amino acid position is well conserved in available vertebrate species. In addition, the in silico prediction for this alteration is inconclusive. Since supporting evidence is limited at this time, the clinical significance of this alteration remains unclear.